The following is an entry in ClinVar:

ClinVar aggregate classification (germline): Likely benign (1 of 4 stars; one submission).

Allele frequency attached by ClinVar (database versions not stated): gnomAD exomes below 0.00001.

Submission:

CeGaT Center for Human Genetics Tuebingen
Classification: Likely benign. Last evaluated: 2023-10-01. Review status: criteria provided, single submitter. Criteria: CeGaT Center For Human Genetics Tuebingen Variant Classification Criteria Version 2. Collection method: clinical testing. Allele origin: germline. Affected: yes. Observed: 1 variant allele.
Comment: NSUN2: PM2:Supporting, BP4, BP7

NM_017755.6(NSUN2):c.975T>G (p.Pro325=)

Gene: NSUN2 (NOP2/Sun RNA methyltransferase 2; minus strand). Cytogenetic location: 5p15.31.
Variant type: single nucleotide variant.
Coding change: c.975T>G on transcript NM_017755.6 (MANE Select); coding-DNA position 975, T replaced by G.
Protein change: p.Pro325=; no amino-acid change (proline 325 retained).
Molecular consequence: synonymous variant. On other transcripts: non-coding transcript variant (1).
Genome position (GRCh38, 1-based): chr5:6,616,773, A>C on the plus strand (T>G on the coding strand, the complement: NSUN2 is on the minus strand). VCF-style: chr5-6616773-A-C. GRCh37 (hg19) VCF-style: chr5-6616886-A-C.
Other names: c.870T>G, p.Pro290= (NM_001193455.2).
Identifiers: ClinVar variation 2655290 (VCV002655290.24), dbSNP rs2126491183, ClinGen allele CA443104938.